The following is an entry in ClinVar:

NM_001330260.2(SCN8A):c.1599C>A (p.Asp533Glu)

Gene: SCN8A (sodium voltage-gated channel alpha subunit 8; plus strand). Cytogenetic location: 12q13.13.
Variant type: single nucleotide variant.
Coding change: c.1599C>A on transcript NM_001330260.2 (MANE Select); coding-DNA position 1599, C replaced by A.
Protein change: p.Asp533Glu; replaces aspartic acid 533 with glutamic acid.
Molecular consequence: missense variant.
Genome position (GRCh38, 1-based): chr12:51,706,679, C>A. VCF-style: chr12-51706679-C-A. GRCh37 (hg19) VCF-style: chr12-52100463-C-A.
Other names: c.1599C>A, p.Asp533Glu (NM_001177984.3, NM_001369788.1, NM_014191.4); short protein forms D533E.
Identifiers: ClinVar variation 1319021 (VCV001319021.2), dbSNP rs2138750756, ClinGen allele CA385229161.

ClinVar aggregate classification (germline): Uncertain significance (1 of 4 stars; one submission).

gnomAD v4.1: 1 of 1,588,712 alleles (0.000063%); no homozygotes.

Submission:

GeneDx
Classification: Uncertain significance. Last evaluated: 2019-12-12. Review status: criteria provided, single submitter. Criteria: GeneDx Variant Classification Process June 2021. Collection method: clinical testing. Allele origin: germline. Affected: yes.
Comment: Not observed in large population cohorts (Lek et al., 2016); Missense variants in this gene are often considered pathogenic (Stenson et al., 2014); In silico analysis, which includes protein predictors and evolutionary conservation, supports a deleterious effect; Has not been previously published as pathogenic or benign to our knowledge; This substitution is predicted to be in the cytoplasmic loop between the first and second homologous domains